The following is an entry in ClinVar:

NM_005816.5(CD96):c.1684C>A (p.Pro562Thr)

Gene: CD96 (CD96 molecule; plus strand). Cytogenetic location: 3q13.2.
Variant type: single nucleotide variant.
Coding change: c.1684C>A on transcript NM_005816.5 (MANE Select); coding-DNA position 1684, C replaced by A.
Protein change: p.Pro562Thr; replaces proline 562 with threonine.
Molecular consequence: missense variant. On other transcripts: non-coding transcript variant (1).
Genome position (GRCh38, 1-based): chr3:111,649,780, C>A. VCF-style: chr3-111649780-C-A. GRCh37 (hg19) VCF-style: chr3-111368627-C-A.
Other names: c.1681C>A, p.Pro561Thr (NM_001410800.1); c.1732C>A, p.Pro578Thr (NM_198196.3); short protein forms P561T, P562T, P578T.
Identifiers: ClinVar variation 4882214 (VCV004882214.2).

ClinVar aggregate classification (germline): Uncertain significance (1 of 4 stars; one submission).

Submission:

Dasa
Classification: Uncertain significance. Last evaluated: 2025-02-21. Review status: criteria provided, single submitter. Criteria: DASA Assertion Criteria. Collection method: clinical testing. Allele origin: germline.
Comment: NM_005816.5(CD96):c.1684C>A (p.Pro562Thr) is a missense variant that results in the substitution of proline with threonine. This variant is absent from population databases. Computational prediction algorithms are consistent with a benign effect. The currently available literature and clinical evidence are not sufficient to establish a definitive association between this variant and the reported condition. Therefore, this variant is classified as a variant of uncertain significance.